The following is an entry in ClinVar:

NM_016824.5(ADD3):c.256A>G (p.Thr86Ala)

Gene: ADD3 (adducin 3; plus strand). Cytogenetic location: 10q25.2.
Variant type: single nucleotide variant.
Coding change: c.256A>G on transcript NM_016824.5 (MANE Select); coding-DNA position 256, A replaced by G.
Protein change: p.Thr86Ala; replaces threonine 86 with alanine.
Molecular consequence: missense variant.
Genome position (GRCh38, 1-based): chr10:110,112,837, A>G. VCF-style: chr10-110112837-A-G. GRCh37 (hg19) VCF-style: chr10-111872595-A-G.
Other names: c.256A>G, p.Thr86Ala (NM_001121.4, NM_001320591.2, NM_001320592.2 and 2 more transcripts); c.22A>G, p.Thr8Ala (NM_001320594.2); c.256A>G (NM_016824.3); short protein forms T8A, T86A.
Identifiers: ClinVar variation 2998983 (VCV002998983.4), dbSNP rs1215012809, ClinGen allele CA378366199.

ClinVar aggregate classification (germline): Uncertain significance. Review status: criteria provided, multiple submitters, no conflicts (2 of 4 stars). 2 submissions from 2 submitters: Uncertain significance (2). Last evaluated 2024-01-23.

Allele frequency attached by ClinVar (database versions not stated): gnomAD exomes below 0.00001; gnomAD 0.00002; TOPMed 0.00003.
gnomAD v4.1: 9 of 1,613,922 alleles (0.00056%); highest among the groups gnomAD compares: Admixed American, 0.0033%; no homozygotes.

Submissions (2):

Ambry Genetics
Classification: Uncertain significance. Last evaluated: 2024-01-23. Review status: criteria provided, single submitter. Criteria: Ambry Variant Classification Scheme 2023. Collection method: clinical testing. Allele origin: germline.

Labcorp Genetics (formerly Invitae), Labcorp
Classification: Uncertain significance. Last evaluated: 2023-10-03. Review status: criteria provided, single submitter. Criteria: Invitae Variant Classification Sherloc (09022015). Collection method: clinical testing. Allele origin: germline.
Comment: This sequence change replaces threonine, which is neutral and polar, with alanine, which is neutral and non-polar, at codon 86 of the ADD3 protein (p.Thr86Ala). This variant is present in population databases (no rsID available, gnomAD 0.006%). This variant has not been reported in the literature in individuals affected with ADD3-related conditions. Advanced modeling of protein sequence and biophysical properties (such as structural, functional, and spatial information, amino acid conservation, physicochemical variation, residue mobility, and thermodynamic stability) performed at Invitae indicates that this missense variant is not expected to disrupt ADD3 protein function. In summary, the available evidence is currently insufficient to determine the role of this variant in disease. Therefore, it has been classified as a Variant of Uncertain Significance.